The following is an entry in ClinVar:

NM_001735.3(C5):c.2543A>G (p.Tyr848Cys)

Gene: C5 (complement C5; minus strand). Cytogenetic location: 9q33.2.
Variant type: single nucleotide variant.
Coding change: c.2543A>G on transcript NM_001735.3 (MANE Select); coding-DNA position 2543, A replaced by G.
Protein change: p.Tyr848Cys; replaces tyrosine 848 with cysteine.
Molecular consequence: missense variant.
Genome position (GRCh38, 1-based): chr9:121,005,938, T>C on the plus strand (A>G on the coding strand, the complement: C5 is on the minus strand). VCF-style: chr9-121005938-T-C. GRCh37 (hg19) VCF-style: chr9-123768216-T-C.
Other names: c.2561A>G, p.Tyr854Cys (NM_001317163.2); c.2543A>G, p.Tyr848Cys (NM_001317164.2); short protein forms Y848C, Y854C.
Identifiers: ClinVar variation 1348579 (VCV001348579.9), dbSNP rs1288535384, ClinGen allele CA374739439.

ClinVar aggregate classification (germline): Uncertain significance. Review status: criteria provided, multiple submitters, no conflicts (2 of 4 stars). 2 submissions from 2 submitters: Uncertain significance (2). Last evaluated 2025-04-14.

Conditions:
Eculizumab, poor response to. Identifiers: MedGen C3810402, OMIM 615749.
Complement component 5 deficiency. Also called: C5 DEFICIENCY. Identifiers: MedGen C0343047, MONDO:0012295, OMIM 609536.

Allele frequency attached by ClinVar (database versions not stated): gnomAD 0.00001; gnomAD exomes 0.00001 and 0.00002; TOPMed 0.00001.
gnomAD v4.1: 20 of 1,613,516 alleles (0.0012%); highest among the groups gnomAD compares: South Asian, 0.021%; no homozygotes.

Submissions (2):

Labcorp Genetics (formerly Invitae), Labcorp
Classification: Uncertain significance. Last evaluated: 2025-04-14. Review status: criteria provided, single submitter. Criteria: Invitae Variant Classification Sherloc (09022015). Collection method: clinical testing. Allele origin: germline.
Comment: This sequence change replaces tyrosine, which is neutral and polar, with cysteine, which is neutral and slightly polar, at codon 848 of the C5 protein (p.Tyr848Cys). This variant is present in population databases (no rsID available, gnomAD 0.01%). This variant has not been reported in the literature in individuals affected with C5-related conditions. ClinVar contains an entry for this variant (Variation ID: 1348579). Invitae Evidence Modeling of protein sequence and biophysical properties (such as structural, functional, and spatial information, amino acid conservation, physicochemical variation, residue mobility, and thermodynamic stability) indicates that this missense variant is expected to disrupt C5 protein function with a positive predictive value of 80%. In summary, the available evidence is currently insufficient to determine the role of this variant in disease. Therefore, it has been classified as a Variant of Uncertain Significance.

Fulgent Genetics
Classification: Uncertain significance for Complement component 5 deficiency; Eculizumab, poor response to. Last evaluated: 2021-08-25. Review status: criteria provided, single submitter. Criteria: ACMG Guidelines, 2015. Collection method: clinical testing. Allele origin: unknown.